The following is an entry in ClinVar:

NM_020975.6(RET):c.2081G>C (p.Arg694Pro)

Gene: RET (ret proto-oncogene; plus strand). Cytogenetic location: 10q11.21.
Variant type: single nucleotide variant.
Coding change: c.2081G>C on transcript NM_020975.6 (MANE Select); coding-DNA position 2081, G replaced by C.
Protein change: p.Arg694Pro; replaces arginine 694 with proline.
Molecular consequence: missense variant.
Genome position (GRCh38, 1-based): chr10:43,114,681, G>C. VCF-style: chr10-43114681-G-C. GRCh37 (hg19) VCF-style: chr10-43610129-G-C.
Other names: c.1952G>C, p.Arg651Pro (NM_001406761.1, NM_001406762.1, NM_001406764.1); c.1946G>C, p.Arg649Pro (NM_001406763.1, NM_001406765.1); c.1793G>C, p.Arg598Pro (NM_001406766.1, NM_001406767.1, NM_001406770.1); c.1817G>C, p.Arg606Pro (NM_001406768.1); c.1685G>C, p.Arg562Pro (NM_001406769.1, NM_001406772.1); c.1184G>C, p.Arg395Pro (NM_001406780.1, NM_001406781.1, NM_001406782.1 and 1 more transcripts); c.1055G>C, p.Arg352Pro (NM_001406783.1, NM_001406786.1); c.1091G>C, p.Arg364Pro (NM_001406784.1); and 10 more; short protein forms R211P, R259P, R299P, R350P, R352P, R355P, R364P, R395P.
Identifiers: ClinVar variation 4757920 (VCV004757920.1).

ClinVar aggregate classification (germline): Uncertain significance (1 of 4 stars; one submission).

Conditions:
Multiple endocrine neoplasia, type 2 (MEN2). Identifiers: Orphanet 653, MedGen C4048306, MONDO:0019003. Disease mechanism: gain of function.

Submission:

Color Diagnostics, LLC DBA Color Health
Classification: Uncertain significance for Multiple endocrine neoplasia, type 2. Last evaluated: 2025-09-10. Review status: criteria provided, single submitter. Criteria: ACMG Guidelines, 2015. Collection method: clinical testing. Allele origin: germline.
Comment: This missense variant replaces arginine with proline at codon 694 of the RET protein. Computational prediction is inconclusive regarding the impact of this variant on protein structure and function. To our knowledge, functional studies have not been reported for this variant. This variant has not been reported in individuals affected with RET-related disorders in the literature. This variant has not been identified in the general population by the Genome Aggregation Database (gnomAD). The available evidence is insufficient to determine the role of this variant in disease conclusively. Therefore, this variant is classified as a Variant of Uncertain Significance.